The following is an entry in ClinVar:

NM_000204.5(CFI):c.1487C>T (p.Ser496Phe)

Gene: CFI (complement factor I; minus strand). Cytogenetic location: 4q25.
Variant type: single nucleotide variant.
Coding change: c.1487C>T on transcript NM_000204.5 (MANE Select); coding-DNA position 1487, C replaced by T.
Protein change: p.Ser496Phe; replaces serine 496 with phenylalanine.
Molecular consequence: missense variant. On other transcripts: non-coding transcript variant (3).
Genome position (GRCh38, 1-based): chr4:109,742,538, G>A on the plus strand (C>T on the coding strand, the complement: CFI is on the minus strand). VCF-style: chr4-109742538-G-A. GRCh37 (hg19) VCF-style: chr4-110663694-G-A.
Other names: c.1511C>T, p.Ser504Phe (NM_001318057.2, NM_001375278.1); c.1466C>T, p.Ser489Phe (NM_001331035.2, NM_001375280.1, NM_001375282.1); c.1487C>T, p.Ser496Phe (NM_001375279.1, NM_001375281.1); c.1430C>T, p.Ser477Phe (NM_001375283.1); c.878C>T, p.Ser293Phe (NM_001375284.1); short protein forms S293F, S477F, S489F, S496F, S504F.
Identifiers: ClinVar variation 3236801 (VCV003236801.1), dbSNP rs750850949.

ClinVar aggregate classification (germline): Likely pathogenic (1 of 4 stars; one submission).

Conditions:
Atypical hemolytic-uremic syndrome with I factor anomaly. Also called: HEMOLYTIC UREMIC SYNDROME, ATYPICAL, SUSCEPTIBILITY TO, 3; AHUS, SUSCEPTIBILITY TO, 3. Identifiers: Orphanet 2134, MedGen C2752039, MONDO:0013041, OMIM 612923.

gnomAD v4.1: 1 of 1,613,802 alleles (0.000062%); highest among the groups gnomAD compares: Non-Finnish European, 0.000085%; no homozygotes.

Submission:

MVZ Medizinische Genetik Mainz
Classification: Likely pathogenic for Atypical hemolytic-uremic syndrome with I factor anomaly. Last evaluated: 2023-02-24. Review status: criteria provided, single submitter. Criteria: UK Practice Guidelines For Variant Classification V4 01 2020. Collection method: clinical testing. Allele origin: germline. Inheritance: Autosomal dominant inheritance. Affected: yes. Observed: 1 variant allele.
Comment: ACMG Criteria: PS4, PS3, PP3 | PM2_SUP, PP3